The following is an entry in ClinVar:

ClinVar aggregate classification (germline): Likely benign (1 of 4 stars; one submission).

Submission:

CeGaT Center for Human Genetics Tuebingen
Classification: Likely benign. Last evaluated: 2025-10-01. Review status: criteria provided, single submitter. Criteria: CeGaT Center For Human Genetics Tuebingen Variant Classification Criteria Version 2. Collection method: clinical testing. Allele origin: germline. Affected: yes. Observed: 2 variant alleles.
Comment: CAMK2A: BP4, BP7

NM_015981.4(CAMK2A):c.*299C>T

Gene: CAMK2A (calcium/calmodulin dependent protein kinase II alpha; minus strand). Cytogenetic location: 5q32.
Variant type: single nucleotide variant.
Coding change: c.*299C>T on transcript NM_015981.4 (MANE Select); 299 bases downstream of the stop codon, C replaced by T.
Molecular consequence: 3 prime UTR variant.
Genome position (GRCh38, 1-based): chr5:150,222,411, G>A on the plus strand (C>T on the coding strand, the complement: CAMK2A is on the minus strand). VCF-style: chr5-150222411-G-A. GRCh37 (hg19) VCF-style: chr5-149601974-G-A.
Other names: c.*299C>T (NM_001363989.1, NM_001363990.1, NM_171825.3); c.*328C>T (NM_001369025.2).
Identifiers: ClinVar variation 4084733 (VCV004084733.8).
Genomic context (GRCh38, chr5:150,222,411, plus strand): 5'-CCCAGCCCCTGGTGGGCACCAGCCCGGGCATTCTAGCCTACAGCCCAAGACAGATCAGGC[G>A]GACAGCAGCTGAGGCTGGGGAGAGGGGGCCAGTGCTGTGGACACCCATGCCTGAGGAAGC-3'